The following is an entry in ClinVar:

ClinVar aggregate classification (germline): Uncertain significance. Review status: criteria provided, multiple submitters, no conflicts (2 of 4 stars). 3 submissions from 3 submitters: Uncertain significance (3). Last evaluated 2025-12-14.

Conditions:
Hereditary cancer-predisposing syndrome. Also called: Neoplastic Syndromes, Hereditary; Hereditary neoplastic syndrome; Hereditary Cancer Syndrome; Tumor predisposition. Identifiers: Orphanet 140162, MedGen C0027672, MeSH D009386, MONDO:0015356.
Familial cancer of breast. Also called: BREAST CANCER, FAMILIAL; hereditary breast carcinoma; Hereditary breast cancer. Identifiers: Orphanet 227535, MedGen C0346153, MONDO:0016419, OMIM 114480. Disease mechanism: loss of function.
Fanconi anemia complementation group J. Also called: BRIP1-Related Fanconi Anemia. Identifiers: Orphanet 84, MedGen C1836860, MONDO:0012187, OMIM 609054.

Allele frequency attached by ClinVar (database versions not stated): gnomAD exomes below 0.00001 and 0.00001; TOPMed 0.00001.
gnomAD v4.1: 2 of 1,613,230 alleles (0.00012%); highest among the groups gnomAD compares: Admixed American, 0.0033%; no homozygotes.

Submissions (3):

Ambry Genetics
Classification: Uncertain significance for Hereditary cancer-predisposing syndrome. Last evaluated: 2025-12-14. Review status: criteria provided, single submitter. Criteria: Ambry Variant Classification Scheme 2023. Collection method: clinical testing. Allele origin: germline.
Comment: The p.Q524R variant (also known as c.1571A>G), located in coding exon 10 of the BRIP1 gene, results from an A to G substitution at nucleotide position 1571. The glutamine at codon 524 is replaced by arginine, an amino acid with highly similar properties. This amino acid position is well conserved in available vertebrate species. In addition, this alteration is predicted to be tolerated by in silico analysis. Since supporting evidence is limited at this time, the clinical significance of this alteration remains unclear.

Institute for Biomarker Research, Medical Diagnostic Laboratories, L.L.C.
Classification: Uncertain significance for Hereditary cancer-predisposing syndrome. Last evaluated: 2025-11-24. Review status: criteria provided, single submitter. Criteria: ACMG Guidelines, 2015. Collection method: clinical testing. Allele origin: germline.
Comment: The missense variant NM_032043.3(BRIP1):c.1571A>G (p.Gln524Arg) has not been reported previously as a pathogenic variant nor as a benign variant, to our knowledge (Accession: VCV000141408.14). The p.Gln524Arg variant is observed in 2/34,570 (0.0058%) alleles from individuals of gnomAD Latino background in gnomAD. There is a small physicochemical difference between glutamine and arginine, which is not likely to impact secondary protein structure as these residues share similar properties. The gene BRIP1 has a low rate of benign missense variation as indicated by a high missense variants Z-Score of 2.45. The gene BRIP1 contains 20 pathogenic missense variants, indicating that missense variants are a common mechanism of disease in this gene. For these reasons, this variant has been classified as Uncertain Significance.

Labcorp Genetics (formerly Invitae), Labcorp
Classification: Uncertain significance for Familial cancer of breast; Fanconi anemia complementation group J. Last evaluated: 2025-11-20. Review status: criteria provided, single submitter. Criteria: Invitae Variant Classification Sherloc (09022015). Collection method: clinical testing. Allele origin: germline.
Comment: This sequence change replaces glutamine, which is neutral and polar, with arginine, which is basic and polar, at codon 524 of the BRIP1 protein (p.Gln524Arg). This variant is present in population databases (rs587781726, gnomAD 0.003%). This variant has not been reported in the literature in individuals affected with BRIP1-related conditions. ClinVar contains an entry for this variant (Variation ID: 141408). Invitae Evidence Modeling of protein sequence and biophysical properties (such as structural, functional, and spatial information, amino acid conservation, physicochemical variation, residue mobility, and thermodynamic stability) has been performed for this missense variant. However, the output from this modeling did not meet the statistical confidence thresholds required to predict the impact of this variant on BRIP1 protein function. In summary, the available evidence is currently insufficient to determine the role of this variant in disease. Therefore, it has been classified as a Variant of Uncertain Significance.

NM_032043.3(BRIP1):c.1571A>G (p.Gln524Arg)

Gene: BRIP1 (BRCA1 interacting DNA helicase 1; minus strand). Cytogenetic location: 17q23.2.
Variant type: single nucleotide variant.
Coding change: c.1571A>G on transcript NM_032043.3 (MANE Select); coding-DNA position 1571, A replaced by G.
Protein change: p.Gln524Arg; replaces glutamine 524 with arginine.
Molecular consequence: missense variant.
Genome position (GRCh38, 1-based): chr17:61,784,327, T>C on the plus strand (A>G on the coding strand, the complement: BRIP1 is on the minus strand). VCF-style: chr17-61784327-T-C. GRCh37 (hg19) VCF-style: chr17-59861688-T-C.
Other names: short protein forms Q524R.
Identifiers: ClinVar variation 141408 (VCV000141408.17), dbSNP rs587781726, ClinGen allele CA165345.